The following is an entry in ClinVar:

NM_000361.3(THBD):c.1088T>C (p.Val363Ala)

Gene: THBD (thrombomodulin; minus strand). Cytogenetic location: 20p11.21.
Variant type: single nucleotide variant.
Coding change: c.1088T>C on transcript NM_000361.3 (MANE Select); coding-DNA position 1088, T replaced by C.
Protein change: p.Val363Ala; replaces valine 363 with alanine.
Molecular consequence: missense variant.
Genome position (GRCh38, 1-based): chr20:23,048,417, A>G on the plus strand (T>C on the coding strand, the complement: THBD is on the minus strand). VCF-style: chr20-23048417-A-G. GRCh37 (hg19) VCF-style: chr20-23029054-A-G.
Other names: short protein forms V363A.
Identifiers: ClinVar variation 4280337 (VCV004280337.1).

ClinVar aggregate classification (germline): Uncertain significance (1 of 4 stars; one submission).

Conditions:
Thrombomodulin-related bleeding disorder (THPH12). Also called: Thrombophilia due to thrombomodulin defect. Identifiers: Orphanet 436169, MedGen C3280976, MONDO:0013775, OMIM 614486.

Submission:

Genomenon, Inc
Classification: Uncertain significance for Thrombomodulin-related bleeding disorder. Last evaluated: 2025-09-22. Review status: criteria provided, single submitter. Criteria: Genomenon Sequence Variant Interpretation Standards - Updated. Collection method: curation. Allele origin: germline. Affected: no.
Comment: THBD p.Val363Ala (c.1088T>C) is a missense variant that changes the amino acid at residue 363 from Valine to Alanine. This variant has been reported in the published literature (PMID:10801821). It is absent or not present at a significant frequency in gnomAD. In conclusion, we classify THBD p.Val363Ala (c.1088T>C) as a variant of unknown significance.

Literature cited by the submitters: PubMed 10801821.